The following is an entry in ClinVar:

ClinVar aggregate classification (germline): Likely benign (1 of 4 stars; one submission).

Allele frequency attached by ClinVar (database versions not stated): gnomAD exomes below 0.00001; TOPMed 0.00001.
gnomAD v4.1: 1 of 1,614,222 alleles (0.000062%); highest among the groups gnomAD compares: Non-Finnish European, 0.000085%; no homozygotes.

Submission:

CeGaT Center for Human Genetics Tuebingen
Classification: Likely benign. Last evaluated: 2022-08-01. Review status: criteria provided, single submitter. Criteria: CeGaT Center For Human Genetics Tuebingen Variant Classification Criteria Version 2. Collection method: clinical testing. Allele origin: germline. Affected: yes. Observed: 1 variant allele.
Comment: KCNQ5: PM2:Supporting, BP4, BP7

NM_019842.4(KCNQ5):c.1899A>G (p.Lys633=)

Gene: KCNQ5 (potassium voltage-gated channel subfamily Q member 5; plus strand). Cytogenetic location: 6q13.
Variant type: single nucleotide variant.
Coding change: c.1899A>G on transcript NM_019842.4 (MANE Select); coding-DNA position 1899, A replaced by G.
Protein change: p.Lys633=; no amino-acid change (lysine 633 retained).
Molecular consequence: synonymous variant.
Genome position (GRCh38, 1-based): chr6:73,194,514, A>G. VCF-style: chr6-73194514-A-G. GRCh37 (hg19) VCF-style: chr6-73904237-A-G.
Other names: c.1872A>G, p.Lys624= (NM_001160130.2); c.1929A>G, p.Lys643= (NM_001160132.2); c.1956A>G, p.Lys652= (NM_001160133.2); c.1569A>G, p.Lys523= (NM_001160134.2).
Identifiers: ClinVar variation 2656700 (VCV002656700.24), dbSNP rs1349003463, ClinGen allele CA451106162.